The following is an entry in ClinVar:

ClinVar aggregate classification (germline): Uncertain significance. Review status: criteria provided, multiple submitters, no conflicts (2 of 4 stars). 2 submissions from 2 submitters: Uncertain significance (2). Last evaluated 2024-03-29.

Conditions:
Floating-Harbor syndrome (FLHS). Also called: Short stature with delayed bone age, expressive language delay, a triangular face with a prominent nose and deep-set eyes; Pelletier-Leisti syndrome; SRCAP-Related Floating-Harbor Syndrome. Identifiers: Orphanet 2044, MedGen C0729582, MONDO:0007621, OMIM 136140.
Developmental delay, hypotonia, musculoskeletal defects, and behavioral abnormalities. Identifiers: MedGen C5562012, MONDO:0859202, OMIM 619595.

Allele frequency attached by ClinVar (database versions not stated): ExAC 0.00001.

Submissions (2):

Fulgent Genetics
Classification: Uncertain significance for Floating-Harbor syndrome; Developmental delay, hypotonia, musculoskeletal defects, and behavioral abnormalities. Last evaluated: 2024-03-29. Review status: criteria provided, single submitter. Criteria: ACMG Guidelines, 2015. Collection method: clinical testing. Allele origin: germline.

Labcorp Genetics (formerly Invitae), Labcorp
Classification: Uncertain significance. Last evaluated: 2021-05-12. Review status: criteria provided, single submitter. Criteria: Invitae Variant Classification Sherloc (09022015). Collection method: clinical testing. Allele origin: germline.
Comment: This sequence change replaces methionine with leucine at codon 1415 of the SRCAP protein (p.Met1415Leu). The methionine residue is moderately conserved and there is a small physicochemical difference between methionine and leucine. This variant is present in population databases (rs140379834, ExAC 0.001%). In summary, the available evidence is currently insufficient to determine the role of this variant in disease. Therefore, it has been classified as a Variant of Uncertain Significance. Algorithms developed to predict the effect of missense changes on protein structure and function output the following: SIFT: "Tolerated"; PolyPhen-2: "Benign"; Align-GVGD: "Class C0". The leucine amino acid residue is found in multiple mammalian species, suggesting that this missense change does not adversely affect protein function. These predictions have not been confirmed by published functional studies and their clinical significance is uncertain. This variant has not been reported in the literature in individuals with SRCAP-related conditions.

NM_006662.3(SRCAP):c.4243A>C (p.Met1415Leu)

Gene: SRCAP (Snf2 related CREBBP activator protein; plus strand). Cytogenetic location: 16p11.2.
Variant type: single nucleotide variant.
Coding change: c.4243A>C on transcript NM_006662.3 (MANE Select); coding-DNA position 4243, A replaced by C.
Protein change: p.Met1415Leu; replaces methionine 1415 with leucine.
Molecular consequence: missense variant.
Genome position (GRCh38, 1-based): chr16:30,723,667, A>C. VCF-style: chr16-30723667-A-C. GRCh37 (hg19) VCF-style: chr16-30734988-A-C.
Other names: short protein forms M1415L.
Identifiers: ClinVar variation 1504102 (VCV001504102.10), dbSNP rs140379834, ClinGen allele CA8011711.
Genomic context (GRCh38, chr16:30,723,667, plus strand): 5'-TTGACCATCTCTTCTCCTCTCCACGTGCCATCCTCCCTCCCTGGGCCAGCCTCTTCTCCA[A>C]TGCCAATTCCCAACTCCTCTCCCCTTGCTAGTCCTGTGTCCTCTACAGTCTCAGTTCCAT-3'
Protein context (NP_006653.2, residues 1405-1425): SSLPGPASSP[Met1415Leu]PIPNSSPLAS